The following is an entry in ClinVar:

NM_000051.4(ATM):c.2357G>A (p.Cys786Tyr)

Gene: ATM (ATM serine/threonine kinase; plus strand). Cytogenetic location: 11q22.3.
Variant type: single nucleotide variant.
Coding change: c.2357G>A on transcript NM_000051.4 (MANE Select); coding-DNA position 2357, G replaced by A.
Protein change: p.Cys786Tyr; replaces cysteine 786 with tyrosine.
Molecular consequence: missense variant.
Genome position (GRCh38, 1-based): chr11:108,257,587, G>A. VCF-style: chr11-108257587-G-A. GRCh37 (hg19) VCF-style: chr11-108128314-G-A.
Other names: c.2357G>A, p.Cys786Tyr (NM_001351834.2); short protein forms C786Y.
Identifiers: ClinVar variation 1718623 (VCV001718623.5), dbSNP rs2135407945, ClinGen allele CA382540306.

ClinVar aggregate classification (germline): Uncertain significance (1 of 4 stars; one submission).

Conditions:
Ataxia-telangiectasia syndrome (AT). Also called: Cerebello-oculocutaneous telangiectasia; ATAXIA-TELANGIECTASIA, COMPLEMENTATION GROUP A; ATAXIA-TELANGIECTASIA, FRESNO VARIANT; Ataxia-telangiectasia, complementation group D; AT, COMPLEMENTATION GROUP C; Immunodeficiency with ataxia telangiectasia. Identifiers: Orphanet 100, MedGen C0004135, MONDO:0008840, OMIM 208900.

Submission:

Labcorp Genetics (formerly Invitae), Labcorp
Classification: Uncertain significance for Ataxia-telangiectasia syndrome. Last evaluated: 2025-06-11. Review status: criteria provided, single submitter. Criteria: Invitae Variant Classification Sherloc (09022015). Collection method: clinical testing. Allele origin: germline.
Comment: This sequence change replaces cysteine, which is neutral and slightly polar, with tyrosine, which is neutral and polar, at codon 786 of the ATM protein (p.Cys786Tyr). This variant is not present in population databases (gnomAD no frequency). This variant has not been reported in the literature in individuals affected with ATM-related conditions. ClinVar contains an entry for this variant (Variation ID: 1718623). Invitae Evidence Modeling of protein sequence and biophysical properties (such as structural, functional, and spatial information, amino acid conservation, physicochemical variation, residue mobility, and thermodynamic stability) indicates that this missense variant is not expected to disrupt ATM protein function with a negative predictive value of 95%. In summary, the available evidence is currently insufficient to determine the role of this variant in disease. Therefore, it has been classified as a Variant of Uncertain Significance.